The following is an entry in ClinVar:

NM_172107.4(KCNQ2):c.2332G>A (p.Glu778Lys)

Gene: KCNQ2 (potassium voltage-gated channel subfamily Q member 2; minus strand). Cytogenetic location: 20q13.33.
Variant type: single nucleotide variant.
Coding change: c.2332G>A on transcript NM_172107.4 (MANE Select); coding-DNA position 2332, G replaced by A.
Protein change: p.Glu778Lys; replaces glutamic acid 778 with lysine.
Molecular consequence: missense variant.
Genome position (GRCh38, 1-based): chr20:63,406,931, C>T on the plus strand (G>A on the coding strand, the complement: KCNQ2 is on the minus strand). VCF-style: chr20-63406931-C-T. GRCh37 (hg19) VCF-style: chr20-62038284-C-T.
Other names: c.2332G>A (NM_172107.3); c.2386G>A, p.Glu796Lys (NM_001382235.1); c.2248G>A, p.Glu750Lys (NM_004518.6); c.2278G>A, p.Glu760Lys (NM_172106.3); c.2239G>A, p.Glu747Lys (NM_172108.5); short protein forms E747K, E750K, E760K, E778K, E796K.
Identifiers: ClinVar variation 1521221 (VCV001521221.11), dbSNP rs1264858438, ClinGen allele CA409637713.
Genomic context (GRCh38, chr20:63,406,931, plus strand): 5'-GCTCCTCGTGGTCCACGGACGGGATGGAGATGGACGTGTCGCTGTCCCGCAGGTTCCCCT[C>T]GGGGGGCCTGCAGCCCGGGGTGTCCTCCTGCCGCAGGAACTCCATGCTGGCGCGGTTGCC-3'
Protein context (NP_742105.1, residues 768-788): QEDTPGCRPP[Glu778Lys]GNLRDSDTSI

ClinVar aggregate classification (germline): Conflicting classifications of pathogenicity. Review status: criteria provided, conflicting classifications (1 of 4 stars). 4 submissions from 4 submitters: Uncertain significance (2); Likely benign (2). Last evaluated 2025-08-13.

Conditions:
Early-infantile DEE. Also called: Early infantile epileptic encephalopathy with suppression bursts; Early infantile epileptic encephalopathy; Ohtahara syndrome. Identifiers: Orphanet 1934, MedGen C0393706, MONDO:0800491.

Allele frequency attached by ClinVar (database versions not stated): gnomAD 0.00001; gnomAD exomes 0.00001 and 0.00003; TOPMed 0.00001.

Submissions (4):

Labcorp Genetics (formerly Invitae), Labcorp
Classification: Uncertain significance for Early-infantile DEE. Last evaluated: 2025-08-13. Review status: criteria provided, single submitter. Criteria: Invitae Variant Classification Sherloc (09022015). Collection method: clinical testing. Allele origin: germline.
Comment: This sequence change replaces glutamic acid, which is acidic and polar, with lysine, which is basic and polar, at codon 778 of the KCNQ2 protein (p.Glu778Lys). The frequency data for this variant in the population databases is considered unreliable, as metrics indicate poor data quality at this position in the gnomAD database. This variant has not been reported in the literature in individuals affected with KCNQ2-related conditions. ClinVar contains an entry for this variant (Variation ID: 1521221). Invitae Evidence Modeling of protein sequence and biophysical properties (such as structural, functional, and spatial information, amino acid conservation, physicochemical variation, residue mobility, and thermodynamic stability) has been performed for this missense variant. However, the output from this modeling did not meet the statistical confidence thresholds required to predict the impact of this variant on KCNQ2 protein function. In summary, the available evidence is currently insufficient to determine the role of this variant in disease. Therefore, it has been classified as a Variant of Uncertain Significance.

Laboratory of Genetics, Children's Clinical University Hospital Latvia
Classification: Likely benign. Last evaluated: 2025-02-16. Review status: criteria provided, single submitter. Criteria: ACMG Guidelines, 2015. Collection method: clinical testing. Allele origin: germline. Affected: yes.

Women's Health and Genetics/Laboratory Corporation of America, LabCorp
Classification: Uncertain significance. Last evaluated: 2023-05-23. Review status: criteria provided, single submitter. Criteria: LabCorp Variant Classification Summary - May 2015. Collection method: clinical testing. Allele origin: germline.
Comment: Variant summary: KCNQ2 c.2332G>A (p.Glu778Lys) results in a conservative amino acid change in the encoded protein sequence. Four of five in-silico tools predict a benign effect of the variant on protein function. The variant allele was found at a frequency of 9e-06 in 221962 control chromosomes (gnomAD). The available data on variant occurrences in the general population are insufficient to allow any conclusion about variant significance. To our knowledge, no occurrence of c.2332G>A in individuals affected with KCNQ2-Related Disorders and no experimental evidence demonstrating its impact on protein function have been reported. One clinical diagnostic laboratory has submitted clinical-significance assessments for this variant to ClinVar after 2014 and classified the variant as uncertain significance. Based on the evidence outlined above, the variant was classified as uncertain significance.

Blueprint Genetics
Classification: Likely benign. Last evaluated: 2021-10-27. Review status: criteria provided, single submitter. Criteria: ACMG Guidelines, 2015. Collection method: clinical testing. Allele origin: germline.